The following is an entry in ClinVar:

ClinVar aggregate classification (germline): Likely benign. Review status: criteria provided, multiple submitters, no conflicts (2 of 4 stars). 3 submissions from 3 submitters: Likely benign (2). 1 of the submissions does not count toward it. Last evaluated 2018-09-14.

Conditions:
CAT-related disorder. Also called: CAT-related condition.

Allele frequency attached by ClinVar (database versions not stated): gnomAD exomes 0.00053; ExAC 0.00055; gnomAD 0.00062 and 0.00078; ESP Exome Variant Server 0.00069; TOPMed 0.00086.
gnomAD v4.1: 1,672 of 1,613,908 alleles (0.1%); highest among the groups gnomAD compares: Non-Finnish European, 0.13%; 3 homozygotes.

Submissions (3):

Labcorp Genetics (formerly Invitae), Labcorp
Classification: Likely benign. Last evaluated: 2018-09-14. Review status: criteria provided, single submitter. Criteria: Invitae Variant Classification Sherloc (09022015). Collection method: clinical testing. Allele origin: germline.

Breakthrough Genomics
Classification: Likely benign. Review status: criteria provided, single submitter. Criteria: ACMG Guidelines, 2015. Collection method: not provided. Allele origin: germline. Inheritance: Unknown mechanism. Affected: yes.

PreventionGenetics, part of Exact Sciences
Classification: Likely benign for CAT-related condition. Last evaluated: 2019-07-16. Review status: no assertion criteria provided. Collection method: clinical testing. Allele origin: germline. Not counted in ClinVar's aggregate classification.
Comment: This variant is classified as likely benign based on ACMG/AMP sequence variant interpretation guidelines (Richards et al. 2015 PMID: 25741868, with internal and published modifications).

NM_001752.4(CAT):c.1317C>T (p.Asn439=)

Gene: CAT (catalase; plus strand). Cytogenetic location: 11p13.
Variant type: single nucleotide variant.
Coding change: c.1317C>T on transcript NM_001752.4 (MANE Select); coding-DNA position 1317, C replaced by T.
Protein change: p.Asn439=; no amino-acid change (asparagine 439 retained).
Molecular consequence: synonymous variant.
Genome position (GRCh38, 1-based): chr11:34,464,226, C>T. VCF-style: chr11-34464226-C-T. GRCh37 (hg19) VCF-style: chr11-34485773-C-T.
Identifiers: ClinVar variation 788250 (VCV000788250.6), dbSNP rs145759100, ClinGen allele CA5944603.